The following is an entry in ClinVar:

ClinVar aggregate classification (germline): Uncertain significance. Review status: criteria provided, multiple submitters, no conflicts (2 of 4 stars). 2 submissions from 2 submitters: Uncertain significance (2). Last evaluated 2024-12-12.

Conditions:
Dyskeratosis congenita, autosomal dominant 2. Identifiers: MedGen C3151443, MONDO:0013521, OMIM 613989.
Idiopathic Pulmonary Fibrosis. Also called: Idiopathic fibrosing alveolitis, chronic form; idiopathic fibrosing alveolitis. Identifiers: Orphanet 2032, MedGen C1800706, MeSH D054990, MONDO:0800504.
Dyskeratosis congenita. Identifiers: Orphanet 1775, MedGen C0265965, MONDO:0015780.

Allele frequency attached by ClinVar (database versions not stated): TOPMed 0.00001.
gnomAD v4.1: 2 of 1,577,596 alleles (0.00013%); highest among the groups gnomAD compares: Non-Finnish European, 0.00017%; no homozygotes.

Submissions (2):

Labcorp Genetics (formerly Invitae), Labcorp
Classification: Uncertain significance for Dyskeratosis congenita, autosomal dominant 2; Idiopathic Pulmonary Fibrosis. Last evaluated: 2024-12-12. Review status: criteria provided, single submitter. Criteria: Invitae Variant Classification Sherloc (09022015). Collection method: clinical testing. Allele origin: germline.
Comment: This sequence change replaces glycine, which is neutral and non-polar, with alanine, which is neutral and non-polar, at codon 179 of the TERT protein (p.Gly179Ala). This variant is not present in population databases (gnomAD no frequency). This variant has not been reported in the literature in individuals affected with TERT-related conditions. ClinVar contains an entry for this variant (Variation ID: 410671). Invitae Evidence Modeling of protein sequence and biophysical properties (such as structural, functional, and spatial information, amino acid conservation, physicochemical variation, residue mobility, and thermodynamic stability) indicates that this missense variant is not expected to disrupt TERT protein function with a negative predictive value of 95%. In summary, the available evidence is currently insufficient to determine the role of this variant in disease. Therefore, it has been classified as a Variant of Uncertain Significance.

Ambry Genetics
Classification: Uncertain significance for Dyskeratosis congenita. Last evaluated: 2022-10-19. Review status: criteria provided, single submitter. Criteria: Ambry Variant Classification Scheme 2023. Collection method: clinical testing. Allele origin: germline.
Comment: The p.G179A variant (also known as c.536G>C), located in coding exon 2 of the TERT gene, results from a G to C substitution at nucleotide position 536. The glycine at codon 179 is replaced by alanine, an amino acid with similar properties. This amino acid position is conserved. In addition, this alteration is predicted to be tolerated by in silico analysis. Since supporting evidence is limited at this time, the clinical significance of this alteration remains unclear.

NM_198253.3(TERT):c.536G>C (p.Gly179Ala)

Gene: TERT (telomerase reverse transcriptase; minus strand). Cytogenetic location: 5p15.33.
Variant type: single nucleotide variant.
Coding change: c.536G>C on transcript NM_198253.3 (MANE Select); coding-DNA position 536, G replaced by C.
Protein change: p.Gly179Ala; replaces glycine 179 with alanine.
Molecular consequence: missense variant. On other transcripts: non-coding transcript variant (2).
Genome position (GRCh38, 1-based): chr5:1,294,350, C>G on the plus strand (G>C on the coding strand, the complement: TERT is on the minus strand). VCF-style: chr5-1294350-C-G. GRCh37 (hg19) VCF-style: chr5-1294465-C-G.
Other names: c.536G>C, p.Gly179Ala (NM_001193376.3); short protein forms G179A.
Identifiers: ClinVar variation 410671 (VCV000410671.51), dbSNP rs771590775, ClinGen allele CA16611925.
Genomic context (GRCh38, chr5:1,294,350, plus strand): 5'-CATCCCAGACGCCTTCGGGGTCCACTAGCGTGTGGCGGGGGCCGGGCCTGAGTGGCAGCG[C>G]CGAGCTGGTACAGCGGCGGCCCGCACACCTGGTAGGCGCAGCTGGGAGCCACCAGCACAA-3'
Protein context (NP_937983.2, residues 169-189): QVCGPPLYQL[Gly179Ala]AATQARPPPH